The following is an entry in ClinVar:

NM_001379200.1(TBX1):c.1215dup (p.Asn406fs)

Gene: TBX1 (T-box transcription factor 1; plus strand). Cytogenetic location: 22q11.21.
Variant type: Duplication.
Coding change: c.1215dup on transcript NM_001379200.1 (MANE Select); coding-DNA position 1215, one base duplicated (G; older notation c.1215dupG).
Protein change: p.Asn406fs; shifts the reading frame from asparagine 406.
Molecular consequence: frameshift variant. On other transcripts: intron variant (2).
Genome position (GRCh38, 1-based): chr22:19,766,567, G duplicated. VCF-style (leftmost placement, unchanged base first): chr22-19766566-C-CG. GRCh37 (hg19) VCF-style: chr22-19754089-C-CG.
Other names: c.1188dup, p.Asn397fs (NM_080647.1); c.1009+565dup (NM_005992.1, NM_080646.2); short protein forms N397fs, N406fs.
Identifiers: ClinVar variation 4718072 (VCV004718072.1).

ClinVar aggregate classification (germline): Pathogenic (1 of 4 stars; one submission).

Conditions:
DiGeorge syndrome. Also called: Catch22; THIRD AND FOURTH PHARYNGEAL POUCH SYNDROME. Identifiers: Orphanet 567, MedGen C0012236, MONDO:0008564, OMIM 188400.

Submission:

Labcorp Genetics (formerly Invitae), Labcorp
Classification: Pathogenic for DiGeorge syndrome. Last evaluated: 2025-04-21. Review status: criteria provided, single submitter. Criteria: Invitae Variant Classification Sherloc (09022015). Collection method: clinical testing. Allele origin: germline.
Comment: This sequence change results in a frameshift in the TBX1 gene (p.Asn397Glufs*220). While this is not anticipated to result in nonsense mediated decay, it is expected to disrupt the last 99 amino acid(s) of the TBX1 protein and extend the protein by 120 additional amino acid residues. This variant is not present in population databases (gnomAD no frequency). This variant has not been reported in the literature in individuals affected with TBX1-related conditions. This variant disrupts a region of the TBX1 protein in which other variant(s) (p.Ser408Trpfs*52) have been determined to be pathogenic (PMID: 14585638, 15703190). This suggests that this is a clinically significant region of the protein, and that variants that disrupt it are likely to be disease-causing. For these reasons, this variant has been classified as Pathogenic.

Literature cited by the submitters: PubMed 14585638; PubMed 15703190.